The following is an entry in ClinVar:

ClinVar aggregate classification (germline): Uncertain significance (0 of 4 stars; one submission).

Conditions:
DNM2-related disorder. Also called: DNM2-related condition.

gnomAD v4.1: 26 of 1,612,820 alleles (0.0016%); highest among the groups gnomAD compares: Non-Finnish European, 0.0022%; no homozygotes.

Submission:

PreventionGenetics, part of Exact Sciences
Classification: Uncertain significance for DNM2-related condition. Last evaluated: 2024-08-27. Review status: no assertion criteria provided. Collection method: clinical testing. Allele origin: germline.
Comment: The DNM2 c.1322A>G variant is predicted to result in the amino acid substitution p.Lys441Arg. To our knowledge, this variant has not been reported in the literature. This variant is reported in 0.0054% of alleles in individuals of European (Non-Finnish) descent in gnomAD. At this time, the clinical significance of this variant is uncertain due to the absence of conclusive functional and genetic evidence.

NM_001005361.3(DNM2):c.1322A>G (p.Lys441Arg)

Gene: DNM2 (dynamin 2; plus strand). Cytogenetic location: 19p13.2.
Variant type: single nucleotide variant.
Coding change: c.1322A>G on transcript NM_001005361.3 (MANE Select); coding-DNA position 1322, A replaced by G.
Protein change: p.Lys441Arg; replaces lysine 441 with arginine.
Molecular consequence: missense variant. On other transcripts: intron variant (3).
Genome position (GRCh38, 1-based): chr19:10,797,505, A>G. VCF-style: chr19-10797505-A-G. GRCh37 (hg19) VCF-style: chr19-10908181-A-G.
Other names: c.1322A>G, p.Lys441Arg (NM_001005362.3); c.1336-981A>G (NM_001005360.3, NM_001190716.2, NM_004945.4); short protein forms K441R.
Identifiers: ClinVar variation 3356132 (VCV003356132.1).
Genomic context (GRCh38, chr19:10,797,505, plus strand): 5'-AAGAGCCGAGTTTGAAGTGTGTTGATCTCGTGGTCTCAGAGCTGGCCACGGTCATAAAAA[A>G]GTGTGCCGAGAAGGTAACAGGTTTTGTTCTCATCTCCGCATTTGTCCCCGTCCTCCCCCT-3'
Protein context (NP_001005361.1, residues 431-451): VVSELATVIK[Lys441Arg]CAEKLSSYPR